The following is an entry in ClinVar:

NM_001458.5(FLNC):c.4120del (p.Glu1374fs)

Gene: FLNC (filamin C; plus strand). Cytogenetic location: 7q32.1.
Variant type: Deletion.
Coding change: c.4120del on transcript NM_001458.5 (MANE Select); coding-DNA position 4120, one base deleted (G; older notation c.4120delG).
Protein change: p.Glu1374fs; shifts the reading frame from glutamic acid 1374.
Molecular consequence: frameshift variant.
Genome position (GRCh38, 1-based): chr7:128,846,456, G deleted; the last of 2 consecutive G bases (chr7:128,846,455-128,846,456); deleting either gives the same sequence. VCF-style (leftmost placement, unchanged base first): chr7-128846454-TG-T. GRCh37 (hg19) VCF-style: chr7-128486508-TG-T.
Other names: c.4120del, p.Glu1374fs (NM_001127487.2); short protein forms E1374fs.
Identifiers: ClinVar variation 4812546 (VCV004812546.1).

ClinVar aggregate classification (germline): Pathogenic (1 of 4 stars; one submission).

Conditions:
Hypertrophic cardiomyopathy 26. Also called: Cardiomyopathy, familial hypertrophic, 26. Identifiers: Orphanet 75249, MedGen C4310749, MONDO:0014883, OMIM 617047.
Myofibrillar myopathy 5. Also called: Filaminopathy (type); FILAMINOPATHY, AUTOSOMAL DOMINANT. Identifiers: Orphanet 171445, MedGen C1836050, MONDO:0012289, OMIM 609524.
Distal myopathy with posterior leg and anterior hand involvement. Also called: WILLIAMS DISTAL MYOPATHY. Identifiers: Orphanet 63273, MedGen C3279722, MONDO:0013550, OMIM 614065.

Submission:

Labcorp Genetics (formerly Invitae), Labcorp
Classification: Pathogenic for Distal myopathy with posterior leg and anterior hand involvement; Myofibrillar myopathy 5; Hypertrophic cardiomyopathy 26. Last evaluated: 2025-11-05. Review status: criteria provided, single submitter. Criteria: Invitae Variant Classification Sherloc (09022015). Collection method: clinical testing. Allele origin: germline.
Comment: This sequence change creates a premature translational stop signal (p.Glu1374Argfs*12) in the FLNC gene. It is expected to result in an absent or disrupted protein product. Loss-of-function variants in FLNC are known to be pathogenic (PMID: 27908349). This variant is not present in population databases (gnomAD no frequency). This variant has not been reported in the literature in individuals affected with FLNC-related conditions. For these reasons, this variant has been classified as Pathogenic.

Literature cited by the submitters: PubMed 27908349.